The following is an entry in ClinVar:

NM_003470.3(USP7):c.1722del (p.Gln574fs)

Genes: USP7 (ubiquitin specific peptidase 7; minus strand), USP7-AS1 (USP7 antisense RNA 1; plus strand). Cytogenetic location: 16p13.2.
Variant type: Deletion.
Coding change: c.1722del on transcript NM_003470.3 (MANE Select); coding-DNA position 1722, one base deleted (G; older notation c.1722delG).
Protein change: p.Gln574fs; shifts the reading frame from glutamine 574.
Molecular consequence: frameshift variant. On other transcripts: non-coding transcript variant (1).
Genome position (GRCh38, 1-based): chr16:8,903,385, C deleted on the plus strand (G on the coding strand, the reverse complement: USP7 is on the minus strand). VCF-style (leftmost placement, unchanged base first): chr16-8903384-AC-A. GRCh37 (hg19) VCF-style: chr16-8997241-AC-A.
Other names: p.Gln574Hisfs*16; c.1674del, p.Gln558fs (NM_001286457.2); c.1425del, p.Gln475fs (NM_001286458.2); c.1548del, p.Gln516fs (NM_001321858.2); short protein forms Q475fs, Q516fs, Q558fs, Q574fs.
Identifiers: ClinVar variation 2683752 (VCV002683752.1), dbSNP rs2549226442, ClinGen allele CA2697549676.

ClinVar aggregate classification (germline): Pathogenic (0 of 4 stars; one submission).

Conditions:
Hao-Fountain syndrome (HAFOUS). Identifiers: Orphanet 643549, MedGen C5393908, MONDO:0014805.

Submission:

Clinical Genomics Laboratory, Stanford Medicine
Classification: Pathogenic for Hao-Fountain syndrome due to USP7 mutation. Last evaluated: 2021-05-26. Review status: no assertion criteria provided. Collection method: clinical testing. Allele origin: germline. Inheritance: Autosomal dominant inheritance. Affected: yes. Observed: 1 heterozygote.
Comment: This variant was absent from large population databases, including the Genome Aggregation Database. This variant results in a 1 bp deletion, which causes a shift in the protein reading frame, leading to a premature termination codon 16 amino acids downstream. Heterozygous loss of function is an established mechanism of disease for the USP7 gene. These data were assessed using the ACMG/AMP variant interpretation guidelines. In summary, there is sufficient evidence to classify the p.Gln574Hisfs*16 variant as pathogenic for autosomal dominant USP7-related neurodevelopmental disorder based on the information above. [ACMG evidence codes used: PVS1; PM2; PS2_Supporting]